The following is an entry in ClinVar:

NM_001042492.3(NF1):c.1762C>T (p.His588Tyr)

Gene: NF1 (neurofibromin 1; plus strand). Cytogenetic location: 17q11.2.
Variant type: single nucleotide variant.
Coding change: c.1762C>T on transcript NM_001042492.3 (MANE Select); coding-DNA position 1762, C replaced by T.
Protein change: p.His588Tyr; replaces histidine 588 with tyrosine.
Molecular consequence: missense variant.
Genome position (GRCh38, 1-based): chr17:31,223,484, C>T. VCF-style: chr17-31223484-C-T. GRCh37 (hg19) VCF-style: chr17-29550502-C-T.
Other names: c.1762C>T, p.His588Tyr (NM_000267.4); short protein forms H588Y.
Identifiers: ClinVar variation 1779605 (VCV001779605.7), dbSNP rs2066962798, ClinGen allele CA399004192.

ClinVar aggregate classification (germline): Uncertain significance. Review status: criteria provided, multiple submitters, no conflicts (2 of 4 stars). 3 submissions from 3 submitters: Uncertain significance (3). Last evaluated 2025-06-04.

Conditions:
NF1-related disorder. Also called: NF1-related condition. Identifiers: MedGen CN379171.
Hereditary cancer-predisposing syndrome. Also called: Tumor predisposition; Hereditary neoplastic syndrome; Hereditary Cancer Syndrome; Neoplastic Syndromes, Hereditary. Identifiers: Orphanet 140162, MedGen C0027672, MeSH D009386, MONDO:0015356.
Cardiovascular phenotype. Identifiers: MedGen CN230736.
Neurofibromatosis, type 1 (NF1). Also called: Peripheral type neurofibromatosis; Neurofibromatosis, type I; NEUROFIBROMATOSIS, TYPE I, SOMATIC; VON RECKLINGHAUSEN DISEASE. Identifiers: Orphanet 636, MedGen C0027831, MONDO:0018975, OMIM 162200. Disease mechanism: loss of function.

Submissions (3):

PreventionGenetics, part of Exact Sciences
Classification: Uncertain significance for NF1-related condition. Last evaluated: 2025-06-04. Review status: criteria provided, single submitter. Criteria: ACMG Guidelines, 2015. Collection method: clinical testing. Allele origin: germline.
Comment: The NF1 c.1762C>T variant is predicted to result in the amino acid substitution p.His588Tyr. To our knowledge, this variant has not been reported in the literature or in a large population database (gnomAD), indicating this variant is rare. At this time, the clinical significance of this variant is uncertain due to the absence of conclusive functional and genetic evidence.

Labcorp Genetics (formerly Invitae), Labcorp
Classification: Uncertain significance for Neurofibromatosis, type 1. Last evaluated: 2024-07-31. Review status: criteria provided, single submitter. Criteria: Invitae Variant Classification Sherloc (09022015). Collection method: clinical testing. Allele origin: germline.
Comment: This sequence change replaces histidine, which is basic and polar, with tyrosine, which is neutral and polar, at codon 588 of the NF1 protein (p.His588Tyr). This variant is not present in population databases (gnomAD no frequency). This variant has not been reported in the literature in individuals affected with NF1-related conditions. ClinVar contains an entry for this variant (Variation ID: 1779605). Advanced modeling of protein sequence and biophysical properties (such as structural, functional, and spatial information, amino acid conservation, physicochemical variation, residue mobility, and thermodynamic stability) has been performed at Invitae for this missense variant, however the output from this modeling did not meet the statistical confidence thresholds required to predict the impact of this variant on NF1 protein function. Algorithms developed to predict the effect of sequence changes on RNA splicing suggest that this variant may disrupt the consensus splice site. In summary, the available evidence is currently insufficient to determine the role of this variant in disease. Therefore, it has been classified as a Variant of Uncertain Significance.

Ambry Genetics
Classification: Uncertain significance for Cardiovascular phenotype; Hereditary cancer-predisposing syndrome. Last evaluated: 2021-08-23. Review status: criteria provided, single submitter. Criteria: Ambry Variant Classification Scheme 2023. Collection method: clinical testing. Allele origin: germline.
Comment: The p.H588Y variant (also known as c.1762C>T), located in coding exon 16 of the NF1 gene, results from a C to T substitution at nucleotide position 1762. The histidine at codon 588 is replaced by tyrosine, an amino acid with similar properties. This amino acid position is highly conserved in available vertebrate species. In addition, this alteration is predicted to be tolerated by in silico analysis. Since supporting evidence is limited at this time, the clinical significance of this alteration remains unclear.